The following is an entry in ClinVar:

ClinVar aggregate classification (germline): Benign (1 of 4 stars; one submission).

Allele frequency attached by ClinVar (database versions not stated): gnomAD 0.17511 and 0.18076; TOPMed 0.17832; 1000 Genomes Project 30x 0.19394; 1000 Genomes Project 0.20008.
gnomAD v4.1: 27,482 of 152,192 alleles (18%); highest among the groups gnomAD compares: Middle Eastern, 32%; 2,575 homozygotes.

Submission:

GeneDx
Classification: Benign. Last evaluated: 2018-06-14. Review status: criteria provided, single submitter. Criteria: GeneDx Variant Classification (06012015). Collection method: clinical testing. Allele origin: germline. Affected: yes.
Comment: This variant is considered likely benign or benign based on one or more of the following criteria: it is a conservative change, it occurs at a poorly conserved position in the protein, it is predicted to be benign by multiple in silico algorithms, and/or has population frequency not consistent with disease.

NM_182961.4(SYNE1):c.5422-195T>C

Gene: SYNE1 (spectrin repeat containing nuclear envelope protein 1; minus strand). Cytogenetic location: 6q25.2.
Variant type: single nucleotide variant.
Coding change: c.5422-195T>C on transcript NM_182961.4 (MANE Select); 195 bases into the intron before coding-DNA position 5422, T replaced by C.
Molecular consequence: intron variant.
Genome position (GRCh38, 1-based): chr6:152,417,210, A>G on the plus strand (T>C on the coding strand, the complement: SYNE1 is on the minus strand). VCF-style: chr6-152417210-A-G. GRCh37 (hg19) VCF-style: chr6-152738345-A-G.
Other names: c.5443-195T>C (NM_033071.5).
Identifiers: ClinVar variation 670642 (VCV000670642.1), dbSNP rs214989, ClinGen allele CA12213446.
Genomic context (GRCh38, chr6:152,417,210, plus strand): 5'-AATCTTAGAAAATTCACAAAATTTTCTGTTTTGCTGATCCACATTTGTTAAATAAAACAC[A>G]ACTCTGGGCCAGGCGCGGTGGCTCACGCCTGTAATCCCAGCACTTTGGGAGGCCAAGGCG-3'